The following is an entry in ClinVar:

ClinVar aggregate classification (germline): Conflicting classifications of pathogenicity. Review status: criteria provided, conflicting classifications (1 of 4 stars). 2 submissions from 2 submitters: Uncertain significance (1); Likely benign (1). Last evaluated 2024-03-07.

Conditions:
Inborn genetic diseases. Identifiers: MedGen C0950123, MeSH D030342.

Allele frequency attached by ClinVar (database versions not stated): gnomAD 0.00001; gnomAD exomes 0.00001; TOPMed 0.00001.

Submissions (2):

Ambry Genetics
Classification: Likely benign for Inborn genetic diseases. Last evaluated: 2024-03-07. Review status: criteria provided, single submitter. Criteria: Ambry Variant Classification Scheme 2023. Collection method: clinical testing. Allele origin: germline.

Labcorp Genetics (formerly Invitae), Labcorp
Classification: Uncertain significance. Last evaluated: 2023-10-08. Review status: criteria provided, single submitter. Criteria: Invitae Variant Classification Sherloc (09022015). Collection method: clinical testing. Allele origin: germline.
Comment: This sequence change replaces histidine, which is basic and polar, with glutamine, which is neutral and polar, at codon 322 of the NKX2-1 protein (p.His322Gln). The frequency data for this variant in the population databases is considered unreliable, as metrics indicate poor data quality at this position in the gnomAD database. This variant has not been reported in the literature in individuals affected with NKX2-1-related conditions. Algorithms developed to predict the effect of missense changes on protein structure and function output the following: SIFT: "Not Available"; PolyPhen-2: "Benign"; Align-GVGD: "Not Available". The glutamine amino acid residue is found in multiple mammalian species, which suggests that this missense change does not adversely affect protein function. In summary, the available evidence is currently insufficient to determine the role of this variant in disease. Therefore, it has been classified as a Variant of Uncertain Significance.

NM_001079668.3(NKX2-1):c.966C>G (p.His322Gln)

Genes: NKX2-1 (NK2 homeobox 1; minus strand), SFTA3 (surfactant associated 3; minus strand). Cytogenetic location: 14q13.3.
Variant type: single nucleotide variant.
Coding change: c.966C>G on transcript NM_001079668.3 (MANE Select); coding-DNA position 966, C replaced by G.
Protein change: p.His322Gln; replaces histidine 322 with glutamine.
Molecular consequence: missense variant.
Genome position (GRCh38, 1-based): chr14:36,517,518, G>C on the plus strand (C>G on the coding strand, the complement: NKX2-1 is on the minus strand). VCF-style: chr14-36517518-G-C. GRCh37 (hg19) VCF-style: chr14-36986723-G-C.
Other names: c.876C>G (NM_003317.3); c.876C>G, p.His292Gln (NM_003317.4); short protein forms H322Q, H292Q.
Identifiers: ClinVar variation 3015956 (VCV003015956.4), dbSNP rs1465370806, ClinGen allele CA389458594.